The following is an entry in ClinVar:

ClinVar aggregate classification (germline): Uncertain significance (1 of 4 stars; one submission).

Allele frequency attached by ClinVar (database versions not stated): gnomAD exomes below 0.00001.
gnomAD v4.1: 1 of 1,600,538 alleles (0.000062%); highest among the groups gnomAD compares: Non-Finnish European, 0.000085%; no homozygotes.

Submission:

Labcorp Genetics (formerly Invitae), Labcorp
Classification: Uncertain significance. Last evaluated: 2023-07-07. Review status: criteria provided, single submitter. Criteria: Invitae Variant Classification Sherloc (09022015). Collection method: clinical testing. Allele origin: germline.
Comment: This sequence change replaces alanine, which is neutral and non-polar, with glycine, which is neutral and non-polar, at codon 249 of the NACC1 protein (p.Ala249Gly). This variant is not present in population databases (gnomAD no frequency). This variant has not been reported in the literature in individuals affected with NACC1-related conditions. Advanced modeling of protein sequence and biophysical properties (such as structural, functional, and spatial information, amino acid conservation, physicochemical variation, residue mobility, and thermodynamic stability) performed at Invitae indicates that this missense variant is not expected to disrupt NACC1 protein function. In summary, the available evidence is currently insufficient to determine the role of this variant in disease. Therefore, it has been classified as a Variant of Uncertain Significance.

NM_052876.4(NACC1):c.746C>G (p.Ala249Gly)

Gene: NACC1 (nucleus accumbens associated 1; plus strand). Cytogenetic location: 19p13.13.
Variant type: single nucleotide variant.
Coding change: c.746C>G on transcript NM_052876.4 (MANE Select); coding-DNA position 746, C replaced by G.
Protein change: p.Ala249Gly; replaces alanine 249 with glycine.
Molecular consequence: missense variant.
Genome position (GRCh38, 1-based): chr19:13,135,953, C>G. VCF-style: chr19-13135953-C-G. GRCh37 (hg19) VCF-style: chr19-13246767-C-G.
Other names: short protein forms A249G.
Identifiers: ClinVar variation 2737290 (VCV002737290.3), dbSNP rs2513136137, ClinGen allele CA404326079.
Genomic context (GRCh38, chr19:13,135,953, plus strand): 5'-CAGCAGCCCAGCCCGCCGTGGCTGCGGGAGCAGGGCAGCCAGCCGGTGGGGTGGCAGCAG[C>G]AGGGGGTGTGGTGAGTGGGCCCAGCACGTCGGAGCGGACCAGCCCAGGCACCTCAAGCGC-3'
Protein context (NP_443108.1, residues 239-259): AGQPAGGVAA[Ala249Gly]GGVVSGPSTS